The following is an entry in ClinVar:

NM_000051.4(ATM):c.1486A>C (p.Ser496Arg)

Gene: ATM (ATM serine/threonine kinase; plus strand). Cytogenetic location: 11q22.3.
Variant type: single nucleotide variant.
Coding change: c.1486A>C on transcript NM_000051.4 (MANE Select); coding-DNA position 1486, A replaced by C.
Protein change: p.Ser496Arg; replaces serine 496 with arginine.
Molecular consequence: missense variant.
Genome position (GRCh38, 1-based): chr11:108,250,951, A>C. VCF-style: chr11-108250951-A-C. GRCh37 (hg19) VCF-style: chr11-108121678-A-C.
Other names: c.1486A>C, p.Ser496Arg (NM_001351834.2); short protein forms S496R.
Identifiers: ClinVar variation 5020313 (VCV005020313.1).
Genomic context (GRCh38, chr11:108,250,951, plus strand): 5'-CAAAAGTCAGATTTATTAAAACTCTGGAATAAAATTTGGTGTATTACCTTTCGTGGTATA[A>C]GTTCTGAGCAAATACAAGCTGAAAACTTTGGCTTACTTGGAGCCATAATTCAGGGTAGTT-3'
Protein context (NP_000042.3, residues 486-506): KIWCITFRGI[Ser496Arg]SEQIQAENFG

ClinVar aggregate classification (germline): Uncertain significance (1 of 4 stars; one submission).

Conditions:
ATM-related cancer predisposition. Also called: ATM-related cancer susceptibility. Identifiers: MedGen CN377759, MONDO:0700270.

Submission:

Dasa
Classification: Uncertain significance for ATM-related cancer predisposition. Last evaluated: 2026-06-24. Review status: criteria provided, single submitter. Criteria: DASA Assertion Criteria. Collection method: clinical testing. Allele origin: germline.
Comment: NM_000051.4(ATM):c.1486A>C (p.Ser496Arg) is a missense variant that results in the substitution of serine with arginine. This variant is rare in population databases. The currently available literature and clinical evidence are not sufficient to establish a definitive association between this variant and the reported condition. Therefore, this variant is classified as a variant of uncertain significance.